The following is an entry in ClinVar:

NM_020191.4(MRPS22):c.758T>C (p.Ile253Thr)

Gene: MRPS22 (mitochondrial ribosomal protein S22; plus strand). Cytogenetic location: 3q23.
Variant type: single nucleotide variant.
Coding change: c.758T>C on transcript NM_020191.4 (MANE Select); coding-DNA position 758, T replaced by C.
Protein change: p.Ile253Thr; replaces isoleucine 253 with threonine.
Molecular consequence: missense variant.
Genome position (GRCh38, 1-based): chr3:139,352,672, T>C. VCF-style: chr3-139352672-T-C. GRCh37 (hg19) VCF-style: chr3-139071514-T-C.
Other names: c.635T>C, p.Ile212Thr (NM_001363857.1); c.755T>C, p.Ile252Thr (NM_001363893.1); short protein forms I212T, I253T, I252T.
Identifiers: ClinVar variation 1477449 (VCV001477449.5), dbSNP rs761121831, ClinGen allele CA2640805.
Genomic context (GRCh38, chr3:139,352,672, plus strand): 5'-TCATGTTTCTGAAGAGTTGCATTTTATGTGGATAGGTTCATCACAAGACCTATGAAGATA[T>C]AGATAAACGTGGAAAATATGACCTTTTACGTTCAACAAGATACTTTGGTGGAATGGTGTG-3'
Protein context (NP_064576.1, residues 243-263): IKVHHKTYED[Ile253Thr]DKRGKYDLLR

ClinVar aggregate classification (germline): Uncertain significance. Review status: criteria provided, multiple submitters, no conflicts (2 of 4 stars). 3 submissions from 3 submitters: Uncertain significance (2). 1 of the submissions does not count toward it. Last evaluated 2022-07-26.

Conditions:
Ovarian dysgenesis 7. Identifiers: MedGen C4748263, MONDO:0020857, OMIM 618117.
Hypotonia with lactic acidemia and hyperammonemia. Identifiers: Orphanet 137908, MedGen C2673642, MONDO:0012718, OMIM 611719.

Allele frequency attached by ClinVar (database versions not stated): ExAC 0.00001; TOPMed 0.00001.

Submissions (3):

Labcorp Genetics (formerly Invitae), Labcorp
Classification: Uncertain significance. Last evaluated: 2022-07-26. Review status: criteria provided, single submitter. Criteria: Invitae Variant Classification Sherloc (09022015). Collection method: clinical testing. Allele origin: germline.
Comment: This sequence change replaces isoleucine, which is neutral and non-polar, with threonine, which is neutral and polar, at codon 253 of the MRPS22 protein (p.Ile253Thr). This variant is present in population databases (rs761121831, gnomAD 0.0009%). This variant has not been reported in the literature in individuals affected with MRPS22-related conditions. ClinVar contains an entry for this variant (Variation ID: 1477449). Algorithms developed to predict the effect of missense changes on protein structure and function are either unavailable or do not agree on the potential impact of this missense change (SIFT: "Deleterious"; PolyPhen-2: "Probably Damaging"; Align-GVGD: "Class C0"). In summary, the available evidence is currently insufficient to determine the role of this variant in disease. Therefore, it has been classified as a Variant of Uncertain Significance.

Institute of Human Genetics, University of Leipzig Medical Center
Classification: Uncertain significance for Ovarian dysgenesis 7. Last evaluated: 2021-05-12. Review status: criteria provided, single submitter. Criteria: ACMG Guidelines, 2015. Collection method: clinical testing. Allele origin: unknown. Inheritance: Autosomal recessive inheritance. Affected: yes.
Comment: Criteria applied: PM2,PM3,PP3

OMIM
Classification: Pathogenic for COMBINED OXIDATIVE PHOSPHORYLATION DEFICIENCY 5. Last evaluated: 2024-01-26. Review status: no assertion criteria provided. Collection method: literature only. Allele origin: germline. Not counted in ClinVar's aggregate classification.

Literature cited by the submitters: PubMed 36349561 (cited by OMIM).